The following is an entry in ClinVar:

NM_020549.5(CHAT):c.1995G>T (p.Glu665Asp)

Gene: CHAT (choline O-acetyltransferase; plus strand). Cytogenetic location: 10q11.23.
Variant type: single nucleotide variant.
Coding change: c.1995G>T on transcript NM_020549.5 (MANE Select); coding-DNA position 1995, G replaced by T.
Protein change: p.Glu665Asp; replaces glutamic acid 665 with aspartic acid.
Molecular consequence: missense variant.
Genome position (GRCh38, 1-based): chr10:49,664,794, G>T. VCF-style: chr10-49664794-G-T. GRCh37 (hg19) VCF-style: chr10-50872840-G-T.
Other names: c.1641G>T, p.Glu547Asp (NM_001142929.2, NM_001142934.2, NM_020984.4 and 2 more transcripts); c.1749G>T, p.Glu583Asp (NM_001142933.2); short protein forms E583D, E665D, E547D.
Identifiers: ClinVar variation 2062846 (VCV002062846.1), dbSNP rs752896534, ClinGen allele CA5497707.
Genomic context (GRCh38, chr10:49,664,794, plus strand): 5'-TGCATTCCAGAACAAGCAGCTCCTGACCTGTCCTCTCCTCCAGGTGCCCACAACCACGGA[G>T]ATGTTCTGCTGCTATGGTCCTGTGGTCCCAAATGGGTATGGTGCCTGCTACAACCCCCAG-3'
Protein context (NP_065574.4, residues 655-675): LSTSQVPTTT[Glu665Asp]MFCCYGPVVP

ClinVar aggregate classification (germline): Uncertain significance (1 of 4 stars; one submission).

Conditions:
Familial infantile myasthenia (CMS6). Also called: MYASTHENIC SYNDROME, CONGENITAL, 6, PRESYNAPTIC; MYASTHENIC SYNDROME, PRESYNAPTIC, CONGENITAL, ASSOCIATED WITH EPISODIC APNEA; Congenital myasthenic syndrome type 6. Identifiers: Orphanet 590, MedGen C0393929, MONDO:0009689, OMIM 254210.

Allele frequency attached by ClinVar (database versions not stated): gnomAD 0.00001.
gnomAD v4.1: 10 of 1,614,120 alleles (0.00062%); highest among the groups gnomAD compares: Admixed American, 0.005%; no homozygotes.

Submission:

Labcorp Genetics (formerly Invitae), Labcorp
Classification: Uncertain significance for Familial infantile myasthenia. Last evaluated: 2022-07-05. Review status: criteria provided, single submitter. Criteria: Invitae Variant Classification Sherloc (09022015). Collection method: clinical testing. Allele origin: germline.
Comment: This sequence change replaces glutamic acid, which is acidic and polar, with aspartic acid, which is acidic and polar, at codon 665 of the CHAT protein (p.Glu665Asp). This variant is present in population databases (rs752896534, gnomAD 0.0009%). This variant has not been reported in the literature in individuals affected with CHAT-related conditions. Advanced modeling of protein sequence and biophysical properties (such as structural, functional, and spatial information, amino acid conservation, physicochemical variation, residue mobility, and thermodynamic stability) performed at Invitae indicates that this missense variant is not expected to disrupt CHAT protein function. In summary, the available evidence is currently insufficient to determine the role of this variant in disease. Therefore, it has been classified as a Variant of Uncertain Significance.